The following is an entry in ClinVar:

ClinVar aggregate classification (germline): Uncertain significance (1 of 4 stars; one submission).

Allele frequency attached by ClinVar (database versions not stated): gnomAD exomes below 0.00001; TOPMed below 0.00001; ExAC 0.00001.
gnomAD v4.1: 5 of 1,604,986 alleles (0.00031%); highest among the groups gnomAD compares: South Asian, 0.0044%; no homozygotes.

Submission:

Labcorp Genetics (formerly Invitae), Labcorp
Classification: Uncertain significance. Last evaluated: 2022-03-14. Review status: criteria provided, single submitter. Criteria: Invitae Variant Classification Sherloc (09022015). Collection method: clinical testing. Allele origin: germline.
Comment: This variant disrupts the p.Asn35 amino acid residue in KITLG. Other variant(s) that disrupt this residue have been determined to be pathogenic (PMID: 33407466). This suggests that this residue is clinically significant, and that variants that disrupt this residue are likely to be disease-causing. In summary, the available evidence is currently insufficient to determine the role of this variant in disease. Therefore, it has been classified as a Variant of Uncertain Significance. Algorithms developed to predict the effect of missense changes on protein structure and function output the following: SIFT: "Tolerated"; PolyPhen-2: "Benign"; Align-GVGD: "Class C0". The aspartic acid amino acid residue is found in multiple mammalian species, which suggests that this missense change does not adversely affect protein function. This variant has not been reported in the literature in individuals affected with KITLG-related conditions. This variant is present in population databases (rs761977598, gnomAD 0.003%). This sequence change replaces asparagine, which is neutral and polar, with aspartic acid, which is acidic and polar, at codon 35 of the KITLG protein (p.Asn35Asp).

Literature cited by the submitters: PubMed 33407466.

NM_000899.5(KITLG):c.103A>G (p.Asn35Asp)

Gene: KITLG (KIT ligand; minus strand). Cytogenetic location: 12q21.32.
Variant type: single nucleotide variant.
Coding change: c.103A>G on transcript NM_000899.5 (MANE Select); coding-DNA position 103, A replaced by G.
Protein change: p.Asn35Asp; replaces asparagine 35 with aspartic acid.
Molecular consequence: missense variant.
Genome position (GRCh38, 1-based): chr12:88,545,778, T>C on the plus strand (A>G on the coding strand, the complement: KITLG is on the minus strand). VCF-style: chr12-88545778-T-C. GRCh37 (hg19) VCF-style: chr12-88939555-T-C.
Other names: c.103A>G, p.Asn35Asp (NM_003994.6); short protein forms N35D.
Identifiers: ClinVar variation 1955257 (VCV001955257.5), dbSNP rs761977598, ClinGen allele CA6713826.
Genomic context (GRCh38, chr12:88,545,778, plus strand): 5'-TTTTACACAGCACGGTAAAGCATTCCTTACTTACCAATTTAGTGACGTCTTTTACATTAT[T>C]AGTCACACGATTCCTGCAGATCCCTTCAGTTTTGACGAGAGGATTAAATAGGAGCAGCTG-3'
Protein context (NP_000890.1, residues 25-45): TEGICRNRVT[Asn35Asp]NVKDVTKLVA